The following is an entry in ClinVar:

NM_001009608.3(SLX4IP):c.135A>G (p.Leu45=)

Gene: SLX4IP (SLX4 interacting protein; plus strand). Cytogenetic location: 20p12.2.
Variant type: single nucleotide variant.
Coding change: c.135A>G on transcript NM_001009608.3 (MANE Select); coding-DNA position 135, A replaced by G.
Protein change: p.Leu45=; no amino-acid change (leucine 45 retained).
Molecular consequence: synonymous variant.
Genome position (GRCh38, 1-based): chr20:10,560,717, A>G. VCF-style: chr20-10560717-A-G. GRCh37 (hg19) VCF-style: chr20-10541365-A-G.
Identifiers: ClinVar variation 2652203 (VCV002652203.24), dbSNP rs1407512768, ClinGen allele CA509659049.

ClinVar aggregate classification (germline): Likely benign (1 of 4 stars; one submission).

Allele frequency attached by ClinVar (database versions not stated): gnomAD exomes below 0.00001.
gnomAD v4.1: 6 of 1,589,246 alleles (0.00038%); highest among the groups gnomAD compares: Non-Finnish European, 0.00034%; no homozygotes.

Submission:

CeGaT Center for Human Genetics Tuebingen
Classification: Likely benign. Last evaluated: 2022-05-01. Review status: criteria provided, single submitter. Criteria: CeGaT Center For Human Genetics Tuebingen Variant Classification Criteria Version 2. Collection method: clinical testing. Allele origin: germline. Affected: yes. Observed: 1 variant allele.
Comment: SLX4IP: BP4, BP7